The following is an entry in ClinVar:

ClinVar aggregate classification (germline): Uncertain significance (1 of 4 stars; one submission).

gnomAD v4.1: 5 of 1,614,046 alleles (0.00031%); highest among the groups gnomAD compares: African/African-American, 0.0013%; no homozygotes.

Submissions (2):

GeneDx
Classification: Uncertain significance. Last evaluated: 2025-05-05. Review status: criteria provided, single submitter. Criteria: GeneDx Variant Classification Process June 2021. Collection method: clinical testing. Allele origin: germline. Affected: yes.
Comment: Not observed at significant frequency in large population cohorts (gnomAD); In silico analysis supports that this missense variant has a deleterious effect on protein structure/function; Has not been previously published as pathogenic or benign to our knowledge

Dr. Peter K. Rogan Lab, Western University
No classification provided (evidence only). Condition: Squamous cell lung carcinoma. Review status: no classification provided. Collection method: in vitro. Allele origin: not applicable. Functional consequence: retained intron. Not counted in ClinVar's aggregate classification.

NM_016239.4(MYO15A):c.9883C>T (p.Arg3295Cys)

Gene: MYO15A (myosin XVA; plus strand). Cytogenetic location: 17p11.2.
Variant type: single nucleotide variant.
Coding change: c.9883C>T on transcript NM_016239.4 (MANE Select); coding-DNA position 9883, C replaced by T.
Protein change: p.Arg3295Cys; replaces arginine 3295 with cysteine.
Molecular consequence: missense variant.
Genome position (GRCh38, 1-based): chr17:18,166,456, C>T. VCF-style: chr17-18166456-C-T. GRCh37 (hg19) VCF-style: chr17-18069770-C-T.
Other names: NC_000017.10:g.18069770C>T; c.9883C>T (NM_016239.3); short protein forms R3295C.
Identifiers: ClinVar variation 4418314 (VCV004418314.2).